The following is an entry in ClinVar:

NM_001379451.1(BCORL1):c.1258G>A (p.Val420Met)

Gene: BCORL1 (BCL6 corepressor like 1; plus strand). Cytogenetic location: Xq26.1.
Variant type: single nucleotide variant.
Coding change: c.1258G>A on transcript NM_001379451.1 (MANE Select); coding-DNA position 1258, G replaced by A.
Protein change: p.Val420Met; replaces valine 420 with methionine.
Molecular consequence: missense variant.
Genome position (GRCh38, 1-based): chrX:130,014,030, G>A. VCF-style: chrX-130014030-G-A. GRCh37 (hg19) VCF-style: chrX-129148006-G-A.
Other names: c.1258G>A, p.Val420Met (NM_001184772.3, NM_001379450.1, NM_021946.5); short protein forms V420M.
Identifiers: ClinVar variation 1028231 (VCV001028231.2), dbSNP rs1165081980, ClinGen allele CA414581208.

ClinVar aggregate classification (germline): Uncertain significance. Review status: criteria provided, multiple submitters, no conflicts (2 of 4 stars). 2 submissions from 2 submitters: Uncertain significance (2). Last evaluated 2024-02-13.

Conditions:
Shukla-Vernon syndrome. Identifiers: MedGen C5193146, MONDO:0026727, OMIM 301029.

Allele frequency attached by ClinVar (database versions not stated): gnomAD exomes 0.00001.

Submissions (2):

Ambry Genetics
Classification: Uncertain significance. Last evaluated: 2024-02-13. Review status: criteria provided, single submitter. Criteria: Ambry Variant Classification Scheme 2023. Collection method: clinical testing. Allele origin: germline.

Baylor Genetics
Classification: Uncertain significance for Shukla-Vernon syndrome. Last evaluated: 2019-12-28. Review status: criteria provided, single submitter. Criteria: ACMG Guidelines, 2015. Collection method: clinical testing. Allele origin: unknown. Affected: yes.
Comment: This variant was determined to be of uncertain significance according to ACMG Guidelines, 2015 [PMID:25741868].